The following is an entry in ClinVar:

ClinVar aggregate classification (germline): Benign (1 of 4 stars; one submission).

Conditions:
Arterial tortuosity syndrome (ATORS). Identifiers: Orphanet 3342, MedGen C1859726, MONDO:0008818, OMIM 208050.

Allele frequency attached by ClinVar (database versions not stated): gnomAD 0.00601 and 0.00646; TOPMed 0.00651; 1000 Genomes Project 30x 0.00671; 1000 Genomes Project 0.00679.

Submission:

Illumina Laboratory Services, Illumina
Classification: Benign for Arterial tortuosity syndrome. Last evaluated: 2018-01-13. Review status: criteria provided, single submitter. Criteria: ICSL Variant Classification Criteria 13 December 2019. Collection method: clinical testing. Allele origin: germline.
Comment: This variant was observed in the ICSL laboratory as part of a predisposition screen in an ostensibly healthy population. It had not been previously curated by ICSL or reported in the Human Gene Mutation Database (HGMD: prior to June 1st, 2018), and was therefore a candidate for classification through an automated scoring system. Utilizing variant allele frequency, disease prevalence and penetrance estimates, and inheritance mode, an automated score was calculated to assess if this variant is too frequent to cause the disease. Based on the score and internal cut-off values, a variant classified as benign is not then subjected to further curation. The score for this variant resulted in a classification of benign for this disease.

NM_030777.4(SLC2A10):c.*809C>T

Gene: SLC2A10 (solute carrier family 2 member 10; plus strand). Cytogenetic location: 20q13.12.
Variant type: single nucleotide variant.
Coding change: c.*809C>T on transcript NM_030777.4 (MANE Select); 809 bases downstream of the stop codon, C replaced by T.
Molecular consequence: 3 prime UTR variant.
Genome position (GRCh38, 1-based): chr20:46,734,643, C>T. VCF-style: chr20-46734643-C-T. GRCh37 (hg19) VCF-style: chr20-45363282-C-T.
Identifiers: ClinVar variation 338616 (VCV000338616.5), dbSNP rs114681513, ClinGen allele CA10649805.